The following is an entry in ClinVar:

ClinVar aggregate classification (germline): Pathogenic (1 of 4 stars; one submission).

gnomAD v4.1: 1 of 1,593,634 alleles (0.000063%); highest among the groups gnomAD compares: South Asian, 0.0011%; no homozygotes.

Submission:

Labcorp Genetics (formerly Invitae), Labcorp
Classification: Pathogenic. Last evaluated: 2024-03-26. Review status: criteria provided, single submitter. Criteria: Invitae Variant Classification Sherloc (09022015). Collection method: clinical testing. Allele origin: germline.
Comment: This sequence change affects an acceptor splice site in intron 7 of the PDE6B gene. It is expected to disrupt RNA splicing. Variants that disrupt the donor or acceptor splice site typically lead to a loss of protein function (PMID: 16199547), and loss-of-function variants in PDE6B are known to be pathogenic (PMID: 8394174, 8595886, 22334370). This variant is present in population databases (no rsID available, gnomAD 0.003%). Disruption of this splice site has been observed in individuals with autosomal recessive retinitis pigmentosa (PMID: 26497376; Invitae). Algorithms developed to predict the effect of sequence changes on RNA splicing suggest that this variant may disrupt the consensus splice site. For these reasons, this variant has been classified as Pathogenic.

Literature cited by the submitters: PubMed 16199547; PubMed 8394174; PubMed 8595886; PubMed 22334370; PubMed 26497376.

NM_000283.4(PDE6B):c.1060-1G>A

Gene: PDE6B (phosphodiesterase 6B; plus strand). Cytogenetic location: 4p16.3.
Variant type: single nucleotide variant.
Coding change: c.1060-1G>A on transcript NM_000283.4 (MANE Select); the canonical splice acceptor site of the intron before coding-DNA position 1060, G replaced by A.
Molecular consequence: splice acceptor variant. On other transcripts: intron variant (1).
Genome position (GRCh38, 1-based): chr4:656,244, G>A. VCF-style: chr4-656244-G-A. GRCh37 (hg19) VCF-style: chr4-650033-G-A.
Other names: c.1060-1G>A (NM_001145291.2); c.223-1G>A (NM_001379246.1, NM_001379247.1, NM_001145292.2 and 1 more transcripts); c.-48-630G>A (NM_001350155.3).
Identifiers: ClinVar variation 3645828 (VCV003645828.2).